The following is an entry in ClinVar:

NM_000038.6(APC):c.2585A>G (p.Asn862Ser)

Gene: APC (APC regulator of Wnt signaling pathway; plus strand). Cytogenetic location: 5q22.2.
Variant type: single nucleotide variant.
Coding change: c.2585A>G on transcript NM_000038.6 (MANE Select); coding-DNA position 2585, A replaced by G.
Protein change: p.Asn862Ser; replaces asparagine 862 with serine.
Molecular consequence: missense variant.
Genome position (GRCh38, 1-based): chr5:112,838,179, A>G. VCF-style: chr5-112838179-A-G. GRCh37 (hg19) VCF-style: chr5-112173876-A-G.
Other names: c.2585A>G, p.Asn862Ser (NM_001127510.3, NM_001354895.2); c.2531A>G, p.Asn844Ser (NM_001127511.3); c.2639A>G, p.Asn880Ser (NM_001354896.2); c.2615A>G, p.Asn872Ser (NM_001354897.2); c.2510A>G, p.Asn837Ser (NM_001354898.2); c.2501A>G, p.Asn834Ser (NM_001354899.2); c.2462A>G, p.Asn821Ser (NM_001354900.2); c.2408A>G, p.Asn803Ser (NM_001354901.2); and 5 more; short protein forms N844S, N862S, N579S, N771S, N736S, N821S, N872S, N761S.
Identifiers: ClinVar variation 411457 (VCV000411457.17), dbSNP rs779334785, ClinGen allele CA032630.

ClinVar aggregate classification (germline): Uncertain significance. Review status: criteria provided, multiple submitters, no conflicts (2 of 4 stars). 2 submissions from 2 submitters: Uncertain significance (2). Last evaluated 2025-12-17.

Conditions:
Familial adenomatous polyposis 1 (FAP1). Also called: FAMILIAL ADENOMATOUS POLYPOSIS 1, ATTENUATED; POLYPOSIS, ADENOMATOUS INTESTINAL. Identifiers: MedGen C2713442, MONDO:0021056, OMIM 175100. Disease mechanism: loss of function.
Hereditary cancer-predisposing syndrome. Also called: Tumor predisposition; Hereditary Cancer Syndrome; Hereditary neoplastic syndrome; Neoplastic Syndromes, Hereditary. Identifiers: Orphanet 140162, MedGen C0027672, MeSH D009386, MONDO:0015356.

Allele frequency attached by ClinVar (database versions not stated): gnomAD exomes below 0.00001 and 0.00001; ExAC 0.00001.
gnomAD v4.1: 4 of 1,614,186 alleles (0.00025%); highest among the groups gnomAD compares: South Asian, 0.0011%; no homozygotes.

Submissions (2):

Labcorp Genetics (formerly Invitae), Labcorp
Classification: Uncertain significance for Familial adenomatous polyposis 1. Last evaluated: 2025-12-17. Review status: criteria provided, single submitter. Criteria: Invitae Variant Classification Sherloc (09022015). Collection method: clinical testing. Allele origin: germline.
Comment: This sequence change replaces asparagine, which is neutral and polar, with serine, which is neutral and polar, at codon 862 of the APC protein (p.Asn862Ser). This variant is present in population databases (rs779334785, gnomAD 0.0009%). This variant has not been reported in the literature in individuals affected with APC-related conditions. ClinVar contains an entry for this variant (Variation ID: 411457). Invitae Evidence Modeling of protein sequence and biophysical properties (such as structural, functional, and spatial information, amino acid conservation, physicochemical variation, residue mobility, and thermodynamic stability) indicates that this missense variant is not expected to disrupt APC protein function with a negative predictive value of 95%. In summary, the available evidence is currently insufficient to determine the role of this variant in disease. Therefore, it has been classified as a Variant of Uncertain Significance.

Ambry Genetics
Classification: Uncertain significance for Hereditary cancer-predisposing syndrome. Last evaluated: 2024-11-14. Review status: criteria provided, single submitter. Criteria: Ambry Variant Classification Scheme 2023. Collection method: clinical testing. Allele origin: germline.
Comment: The p.N862S variant (also known as c.2585A>G), located in coding exon 15 of the APC gene, results from an A to G substitution at nucleotide position 2585. The asparagine at codon 862 is replaced by serine, an amino acid with highly similar properties. This amino acid position is not well conserved in available vertebrate species. In addition, in silico predictors for this gene do not accurately predict pathogenicity. Since supporting evidence is limited at this time, the clinical significance of this alteration remains unclear.